The following is an entry in ClinVar:

NM_020745.4(AARS2):c.1244G>A (p.Gly415Asp)

Gene: AARS2 (alanyl-tRNA synthetase 2, mitochondrial; minus strand). Cytogenetic location: 6p21.1.
Variant type: single nucleotide variant.
Coding change: c.1244G>A on transcript NM_020745.4 (MANE Select); coding-DNA position 1244, G replaced by A.
Protein change: p.Gly415Asp; replaces glycine 415 with aspartic acid.
Molecular consequence: missense variant.
Genome position (GRCh38, 1-based): chr6:44,306,336, C>T on the plus strand (G>A on the coding strand, the complement: AARS2 is on the minus strand). VCF-style: chr6-44306336-C-T. GRCh37 (hg19) VCF-style: chr6-44274073-C-T.
Other names: c.1244G>A (NM_020745.2); short protein forms G415D.
Identifiers: ClinVar variation 1506488 (VCV001506488.10), dbSNP rs151044424, ClinGen allele CA138390624.

ClinVar aggregate classification (germline): Uncertain significance. Review status: criteria provided, multiple submitters, no conflicts (2 of 4 stars). 3 submissions from 3 submitters: Uncertain significance (3). Last evaluated 2024-12-11.

Conditions:
Inborn genetic diseases. Identifiers: MedGen C0950123, MeSH D030342.
Mitochondrial disease. Also called: Mitochondrial disorders; Mitochondrial disorder. Identifiers: Orphanet 68380, MedGen C0751651, MeSH D028361, MONDO:0044970.

Allele frequency attached by ClinVar (database versions not stated): gnomAD 0.00001; ESP Exome Variant Server 0.00008.

Submissions (3):

Ambry Genetics
Classification: Uncertain significance for Inborn genetic diseases. Last evaluated: 2024-12-11. Review status: criteria provided, single submitter. Criteria: Ambry Variant Classification Scheme 2023. Collection method: clinical testing. Allele origin: germline.

Labcorp Genetics (formerly Invitae), Labcorp
Classification: Uncertain significance. Last evaluated: 2023-07-07. Review status: criteria provided, single submitter. Criteria: Invitae Variant Classification Sherloc (09022015). Collection method: clinical testing. Allele origin: germline.
Comment: This variant is present in population databases (rs151044424, gnomAD 0.0009%). This sequence change replaces glycine, which is neutral and non-polar, with aspartic acid, which is acidic and polar, at codon 415 of the AARS2 protein (p.Gly415Asp). This variant has not been reported in the literature in individuals affected with AARS2-related conditions. ClinVar contains an entry for this variant (Variation ID: 1506488). Advanced modeling of protein sequence and biophysical properties (such as structural, functional, and spatial information, amino acid conservation, physicochemical variation, residue mobility, and thermodynamic stability) performed at Invitae indicates that this missense variant is expected to disrupt AARS2 protein function. In summary, the available evidence is currently insufficient to determine the role of this variant in disease. Therefore, it has been classified as a Variant of Uncertain Significance.

Department of Pathology and Laboratory Medicine, Sinai Health System
Classification: Uncertain significance for mitochondrial disease. Last evaluated: 2023-04-06. Review status: criteria provided, single submitter. Criteria: ACMG Guidelines, 2015. Collection method: research. Allele origin: germline.